The following is an entry in ClinVar:

NM_004380.3(CREBBP):c.3892T>C (p.Tyr1298His)

Gene: CREBBP (CREB binding lysine acetyltransferase; minus strand). Cytogenetic location: 16p13.3.
Variant type: single nucleotide variant.
Coding change: c.3892T>C on transcript NM_004380.3 (MANE Select); coding-DNA position 3892, T replaced by C.
Protein change: p.Tyr1298His; replaces tyrosine 1298 with histidine.
Molecular consequence: missense variant.
Genome position (GRCh38, 1-based): chr16:3,745,299, A>G on the plus strand (T>C on the coding strand, the complement: CREBBP is on the minus strand). VCF-style: chr16-3745299-A-G. GRCh37 (hg19) VCF-style: chr16-3795300-A-G.
Other names: c.3778T>C, p.Tyr1260His (NM_001079846.1); short protein forms Y1298H, Y1260H.
Identifiers: ClinVar variation 930913 (VCV000930913.3), dbSNP rs2052315739, ClinGen allele CA394566765.

ClinVar aggregate classification (germline): Uncertain significance (1 of 4 stars; one submission).

Conditions:
Rubinstein-Taybi syndrome due to CREBBP mutations (RSTS1). Also called: RUBINSTEIN-TAYBI SYNDROME 1, INCOMPLETE; Rubinstein-Taybi syndrome 1; RUBINSTEIN SYNDROME; BROAD THUMBS AND GREAT TOES, CHARACTERISTIC FACIES, AND IMPAIRED INTELLECTUAL DEVELOPMENT; BROAD THUMB-HALLUX SYNDROME; CREBBP-Related Rubinstein-Taybi Syndrome. Identifiers: Orphanet 353277, Orphanet 783, MedGen C4551859, MONDO:0008393, OMIM 180849.

Submission:

Centre for Mendelian Genomics, University Medical Centre Ljubljana
Classification: Uncertain significance for Rubinstein-Taybi syndrome due to CREBBP mutations. Last evaluated: 2018-10-24. Review status: criteria provided, single submitter. Criteria: ACMG Guidelines, 2015. Collection method: clinical testing. Allele origin: unknown. Affected: yes.
Comment: This variant was classified as: Uncertain significance. The available evidence on this variant's pathogenicity is insufficient or conflicting. The following ACMG criteria were applied in classifying this variant: PM2,PP3.